The following is an entry in ClinVar:

ClinVar aggregate classification (germline): Uncertain significance (1 of 4 stars; one submission).

gnomAD v4.1: 1 of 1,567,612 alleles (0.000064%); highest among the groups gnomAD compares: Admixed American, 0.0018%; no homozygotes.

Submission:

Ambry Genetics
Classification: Uncertain significance. Last evaluated: 2025-05-31. Review status: criteria provided, single submitter. Criteria: Ambry Variant Classification Scheme 2023. Collection method: clinical testing. Allele origin: germline.
Comment: The p.V683L variant (also known as c.2047G>T), located in coding exon 9 of the WNK2 gene, results from a G to T substitution at nucleotide position 2047. The valine at codon 683 is replaced by leucine, an amino acid with highly similar properties. This amino acid position is conserved. In addition, this alteration is predicted to be tolerated by in silico analysis. Based on the available evidence, the clinical significance of this variant remains unclear.

NM_006648.4(WNK2):c.2047G>T (p.Val683Leu)

Gene: WNK2 (WNK lysine deficient protein kinase 2; plus strand). Cytogenetic location: 9q22.31.
Variant type: single nucleotide variant.
Coding change: c.2047G>T on transcript NM_006648.4 (MANE Select); coding-DNA position 2047, G replaced by T.
Protein change: p.Val683Leu; replaces valine 683 with leucine.
Molecular consequence: missense variant.
Genome position (GRCh38, 1-based): chr9:93,256,311, G>T. VCF-style: chr9-93256311-G-T. GRCh37 (hg19) VCF-style: chr9-96018593-G-T.
Other names: c.2047G>T, p.Val683Leu (NM_001282394.3); short protein forms V683L.
Identifiers: ClinVar variation 3982148 (VCV003982148.1).